The following is an entry in ClinVar:

ClinVar aggregate classification (germline): Likely benign. Review status: criteria provided, multiple submitters, no conflicts (2 of 4 stars). 3 submissions from 3 submitters: Likely benign (2). 1 of the submissions does not count toward it. Last evaluated 2025-11-24.

Conditions:
CNGA3-related disorder. Also called: CNGA3-related condition.

Allele frequency attached by ClinVar (database versions not stated): ESP Exome Variant Server 0.00015; 1000 Genomes Project 30x 0.00016; 1000 Genomes Project 0.00020.
gnomAD v4.1: 193 of 1,608,044 alleles (0.012%); highest among the groups gnomAD compares: African/African-American, 0.051%; no homozygotes.

Submissions (3):

Labcorp Genetics (formerly Invitae), Labcorp
Classification: Likely benign. Last evaluated: 2025-11-24. Review status: criteria provided, single submitter. Criteria: Invitae Variant Classification Sherloc (09022015). Collection method: clinical testing. Allele origin: germline.

Blueprint Genetics
Classification: Likely benign. Last evaluated: 2023-03-15. Review status: criteria provided, single submitter. Criteria: ACMG Guidelines, 2015. Collection method: clinical testing. Allele origin: germline.

PreventionGenetics, part of Exact Sciences
Classification: Likely benign for CNGA3-related condition. Last evaluated: 2021-06-02. Review status: no assertion criteria provided. Collection method: clinical testing. Allele origin: germline. Not counted in ClinVar's aggregate classification.
Comment: This variant is classified as likely benign based on ACMG/AMP sequence variant interpretation guidelines (Richards et al. 2015 PMID: 25741868, with internal and published modifications).

NM_001298.3(CNGA3):c.566+7G>A

Gene: CNGA3 (cyclic nucleotide gated channel subunit alpha 3; plus strand). Cytogenetic location: 2q11.2.
Variant type: single nucleotide variant.
Coding change: c.566+7G>A on transcript NM_001298.3 (MANE Select); 7 bases into the intron after coding-DNA position 566, G replaced by A.
Molecular consequence: intron variant.
Genome position (GRCh38, 1-based): chr2:98,389,781, G>A. VCF-style: chr2-98389781-G-A. GRCh37 (hg19) VCF-style: chr2-99006244-G-A.
Other names: c.512+7G>A (NM_001079878.2); c.566+7G>A (NM_001298.2).
Identifiers: ClinVar variation 1127955 (VCV001127955.12), dbSNP rs374306710, ClinGen allele CA1793789.